The following is an entry in ClinVar:

NM_000159.4(GCDH):c.1198G>A (p.Val400Met)

Gene: GCDH (glutaryl-CoA dehydrogenase; plus strand). Cytogenetic location: 19p13.13.
Variant type: single nucleotide variant.
Coding change: c.1198G>A on transcript NM_000159.4 (MANE Select); coding-DNA position 1198, G replaced by A.
Protein change: p.Val400Met; replaces valine 400 with methionine.
Molecular consequence: missense variant. On other transcripts: non-coding transcript variant (2).
Genome position (GRCh38, 1-based): chr19:12,897,818, G>A. VCF-style: chr19-12897818-G-A. GRCh37 (hg19) VCF-style: chr19-13008632-G-A.
Other names: c.1198G>A, p.Val400Met (NM_013976.5); short protein forms V400M.
Identifiers: ClinVar variation 2088 (VCV000002088.35), dbSNP rs121434372, ClinGen allele CA252099.
Genomic context (GRCh38, chr19:12,897,818, plus strand): 5'-GACATCGCCCGCCAGGCCCGAGACATGCTGGGGGGGAATGGGATTTCTGACGAGTATCAC[G>A]TGATCCGGCACGCCATGAACCTGGAGGCCGTGAACACCTACGAAGGTAGGAGCTGGACCT-3'
Protein context (NP_000150.1, residues 390-410): GGNGISDEYH[Val400Met]IRHAMNLEAV

ClinVar aggregate classification (germline): Pathogenic. Review status: criteria provided, multiple submitters, no conflicts (2 of 4 stars). 16 submissions from 16 submitters: Pathogenic (12). 4 of the submissions do not count toward it. Last evaluated 2026-01-11.

Conditions:
GCDH-related disorder. Also called: GCDH-related condition.
Inborn genetic diseases. Identifiers: MedGen C0950123, MeSH D030342.
Glutaric aciduria, type 1. Also called: GA I; Glutaricaciduria, type I; Glutaryl-CoA dehydrogenase deficiency; Glutaric acidemia type I; Glutaric Acidemia Type 1; Glutaricacidemia Type 1. Identifiers: Orphanet 25, MedGen C0268595, MONDO:0009281, OMIM 231670.

Allele frequency attached by ClinVar (database versions not stated): TOPMed 0.00012; gnomAD 0.00014 and 0.00015; 1000 Genomes Project 0.00020; 1000 Genomes Project 30x 0.00016; ExAC 0.00007; gnomAD exomes 0.00011 and 0.00013.
gnomAD v4.1: 206 of 1,614,012 alleles (0.013%); highest among the groups gnomAD compares: Non-Finnish European, 0.016%; no homozygotes.

Submissions (16):

Labcorp Genetics (formerly Invitae), Labcorp
Classification: Pathogenic for Glutaric aciduria, type 1. Last evaluated: 2026-01-11. Review status: criteria provided, single submitter. Criteria: Invitae Variant Classification Sherloc (09022015). Collection method: clinical testing. Allele origin: germline.
Comment: This sequence change replaces valine, which is neutral and non-polar, with methionine, which is neutral and non-polar, at codon 400 of the GCDH protein (p.Val400Met). This variant is present in population databases (rs121434372, gnomAD 0.02%). This missense change has been observed in individual(s) with glutaric acidemia type I (PMID: 10960496, 21912879, 27397597). ClinVar contains an entry for this variant (Variation ID: 2088). Invitae Evidence Modeling of protein sequence and biophysical properties (such as structural, functional, and spatial information, amino acid conservation, physicochemical variation, residue mobility, and thermodynamic stability) indicates that this missense variant is not expected to disrupt GCDH protein function with a negative predictive value of 80%. For these reasons, this variant has been classified as Pathogenic.

Natera, Inc.
Classification: Pathogenic for Glutaric acidemia type 1. Last evaluated: 2025-09-29. Review status: criteria provided, single submitter. Criteria: Natera Variant Classification Schema (03/2026). Collection method: clinical testing. Allele origin: germline.
Comment: The c.1198G>A variant in GCDH is a missense variant predicted to cause substitution of valine to methionine at amino acid 400. This variant is rare in the general population with a frequency below the threshold expected for the associated phenotype(s). This variant has been observed in one or more individuals affected with the associated recessive disease, as either homozygous or compound heterozygous with a second variant (PMID: 10960496). Given the available evidence, this variant is classified as Pathogenic.

Blueprint Genetics
Classification: Pathogenic for GCDH-related disorders. Last evaluated: 2024-09-20. Review status: criteria provided, single submitter. Criteria: ACMG Guidelines, 2015. Collection method: clinical testing. Allele origin: germline. Affected: yes. Observed: 5 variant alleles.

Fulgent Genetics
Classification: Pathogenic for Glutaric aciduria, type 1. Last evaluated: 2024-06-15. Review status: criteria provided, single submitter. Criteria: ACMG Guidelines, 2015. Collection method: clinical testing. Allele origin: germline.

Laboratory of Medical Genetics, National & Kapodistrian University of Athens
Classification: Pathogenic for Glutaric aciduria, type 1. Last evaluated: 2024-02-01. Review status: criteria provided, single submitter. Criteria: ACMG Guidelines, 2015. Collection method: curation. Allele origin: germline. Affected: no.

GeneDx
Classification: Pathogenic. Last evaluated: 2023-11-27. Review status: criteria provided, single submitter. Criteria: GeneDx Variant Classification Process June 2021. Collection method: clinical testing. Allele origin: germline. Affected: yes.
Comment: In silico analysis supports that this missense variant does not alter protein structure/function; This variant is associated with the following publications: (PMID: 8900227, 26847429, 26071121, 9881681, 9711871, 31536184, 15505393, 21912879, 27397597, 10960496, 31491587, 31589614, 32240488, 32778825, 32992790)

Revvity Omics, Revvity
Classification: Pathogenic for Glutaric aciduria, type 1. Last evaluated: 2023-01-17. Review status: criteria provided, single submitter. Criteria: ACMG Guidelines, 2015. Collection method: clinical testing. Allele origin: germline.

Ambry Genetics
Classification: Pathogenic for Inborn genetic diseases. Last evaluated: 2022-09-16. Review status: criteria provided, single submitter. Criteria: Ambry Variant Classification Scheme 2023. Collection method: clinical testing. Allele origin: germline.
Comment: The c.1198G>A (p.V400M) alteration is located in exon 11 (coding exon 10) of the GCDH gene. This alteration results from a G to A substitution at nucleotide position 1198, causing the valine (V) at amino acid position 400 to be replaced by a methionine (M). Based on data from gnomAD, the A allele has an overall frequency of 0.011% (30/282716) total alleles studied. The highest observed frequency was 0.028% (2/7222) of Other alleles. This variant has been observed in the homozygous state and confirmed in trans with GCDH pathogenic variants in multiple individuals with clinical features of GCDH-related glutaricaciduria (Cerisola, 2009; Busquets, 2000; Marti-Masso, 2012; Biery, 1996; Del Rizzo, 2016; Schillaci, 2016; Kurkina, 2020; Martin-Rivada, 2022). This amino acid position is highly conserved in available vertebrate species. Functional studies show reduced enzyme activity in patient-derived fibroblasts or leukocytes (Christensen, 2004). Additionally, functional studies show reduced stability and ligand binding compared to controls in vitro (Ribeiro, 2020a; Ribeiro, 2020b). This alteration is predicted to be deleterious by in silico analysis. Based on the available evidence, this alteration is classified as pathogenic.

Mendelics
Classification: Pathogenic for Glutaric aciduria, type 1. Last evaluated: 2019-05-28. Review status: criteria provided, single submitter. Criteria: Mendelics Assertion Criteria 2017. Collection method: clinical testing. Allele origin: unknown.

Women's Health and Genetics/Laboratory Corporation of America, LabCorp
Classification: Pathogenic for Glutaric aciduria, type 1. Last evaluated: 2017-10-26. Review status: criteria provided, single submitter. Criteria: LabCorp Variant Classification Summary - May 2015. Collection method: clinical testing. Allele origin: germline.
Comment: Variant summary: The GCDH c.1198G>A (p.Val400Met) variant involves the alteration of a conserved nucleotide that lies within the acyl-CoA dehydrogenase/oxidase C-terminal domain (InterPro). 3/4 in silico tools predict a damaging outcome for this variant (SNPsandGO not captured due to low reliability index). This variant was found in 28/277188 control chromosomes at a frequency of 0.000101, which does not exceed the estimated maximal expected allele frequency of a pathogenic GCDH variant (0.0035355). The variant has been identified in numerous glutaric acidemia I patients in homozygosity and compound heterozygosity (Busquets_2000; Christensen_2004). Studies on the residual GCDH enzyme activity levels in these patients show a range from almost no activity when in compound heterozygosity with a known null mutation (e.g., R402W), up to 30% of normal activity when in compound heterozygosity with a mild mutation (e.g., R227P). In homozygosity, the GCDH activity levels were 5-15% of WT ( Busquets_2000 and CHRISTENSEN_2004). Multiple clinical diagnostic laboratories/reputable databases classified this variant as pathogenic. Taken together, this variant is classified as pathogenic.

Center for Pediatric Genomic Medicine, Children's Mercy Hospital and Clinics
Classification: Pathogenic. Last evaluated: 2017-10-05. Review status: criteria provided, single submitter. Criteria: ACMG Guidelines, 2015. Collection method: clinical testing. Allele origin: germline.

Clinical Genetics Service, Universitary Hospital 12 de Octubre
Classification: Pathogenic for Glutaric aciduria, type 1. Review status: criteria provided, single submitter. Criteria: ACMG Guidelines, 2015. Collection method: clinical testing. Allele origin: germline. Affected: yes.

PreventionGenetics, part of Exact Sciences
Classification: Pathogenic for GCDH-related condition. Last evaluated: 2024-09-19. Review status: no assertion criteria provided. Collection method: clinical testing. Allele origin: germline. Not counted in ClinVar's aggregate classification.
Comment: The GCDH c.1198G>A variant is predicted to result in the amino acid substitution p.Val400Met. This variant has previously been reported as a common variant causative for glutaric acidemia type I (for example, Biery et al. 1996. PubMedID: 8900227; Busquets et al. 2000. PubMed ID: 10960496; Christensen et al. 2004. PubMed ID: 15505393). The p.Val400Met has been reported to reduce enzyme activity to ~5-15% of wild-type (Busquets et al. 2000. PubMed ID: 10960496; Christensen et al. 2004. PubMed ID: 15505393). This variant is reported in 0.016% of alleles in individuals of European (non-Finnish) descent in gnomAD. In summary, this variant is interpreted as pathogenic.

Counsyl
Classification: Likely pathogenic for Glutaric aciduria, type 1. Last evaluated: 2014-02-15. Review status: no assertion criteria provided. Collection method: clinical testing. Allele origin: unknown. Not counted in ClinVar's aggregate classification.

OMIM
Classification: Pathogenic for GLUTARIC ACIDEMIA I. Last evaluated: 2012-03-01. Review status: no assertion criteria provided. Collection method: literature only. Allele origin: germline. Not counted in ClinVar's aggregate classification.

GeneReviews
No classification provided. Condition: Glutaric aciduria, type 1. Review status: no classification provided. Collection method: literature only. Allele origin: germline. Not counted in ClinVar's aggregate classification.
Comment: common variant among low excreters in Spain

Literature cited by the submitters: PubMed 10960496 (cited by 6 submitters); PubMed 21912879 (cited by 4 submitters); PubMed 27397597 (cited by Labcorp Genetics (formerly Invitae), Labcorp and Ambry Genetics); PubMed 8900227 (cited by 3 submitters); PubMed 15505393 (cited by 3 submitters); PubMed 19433275 (cited by Ambry Genetics); PubMed 26847429 (cited by Ambry Genetics); PubMed 31491587 (cited by Ambry Genetics); PubMed 32240488 (cited by Ambry Genetics); PubMed 32992790 (cited by Ambry Genetics); PubMed 35281663 (cited by Ambry Genetics); PubMed 9711871 (cited by Counsyl); PubMed 9881681 (cited by Counsyl); PubMed 9266361 (cited by GeneReviews); PubMed 31536184 (cited by GeneReviews).